The following is an entry in ClinVar:

NM_000528.4(MAN2B1):c.1545T>A (p.Tyr515Ter)

Gene: MAN2B1 (mannosidase alpha class 2B member 1; minus strand). Cytogenetic location: 19p13.13.
Variant type: single nucleotide variant.
Coding change: c.1545T>A on transcript NM_000528.4 (MANE Select); coding-DNA position 1545, T replaced by A.
Protein change: p.Tyr515Ter; replaces tyrosine 515 with a stop codon.
Molecular consequence: nonsense.
Genome position (GRCh38, 1-based): chr19:12,656,670, A>T on the plus strand (T>A on the coding strand, the complement: MAN2B1 is on the minus strand). VCF-style: chr19-12656670-A-T. GRCh37 (hg19) VCF-style: chr19-12767484-A-T.
Other names: c.1542T>A, p.Tyr514Ter (NM_001173498.2); short protein forms Y514*, Y515*.
Identifiers: ClinVar variation 984237 (VCV000984237.3), dbSNP rs2023968144, ClinGen allele CA404245863.
Genomic context (GRCh38, chr19:12,656,670, plus strand): 5'-GAAAACGCCTTCGCTGACCGGCAGCCGTACCATCCAATTCACCTTCCGCCCCAGGGGATT[A>T]TAAACGATGACCTGGAACTGGGGAGGCGGGGGTCAGAGAGGGCATGGGTCACAGCAGGCC-3'

ClinVar aggregate classification (germline): Likely pathogenic (1 of 4 stars; one submission).

Conditions:
Deficiency of alpha-mannosidase (MANSA). Also called: Mannosidosis, alpha-, types I and II; Alpha-Mannosidosis; LYSOSOMAL ALPHA-D-MANNOSIDASE DEFICIENCY. Identifiers: Orphanet 61, MedGen C0024748, MONDO:0009561, OMIM 248500.

Submission:

Myriad Genetics, Inc.
Classification: Likely pathogenic for Deficiency of alpha-mannosidase. Last evaluated: 2020-03-03. Review status: criteria provided, single submitter. Criteria: Myriad Women's Health Autosomal Recessive and X-Linked Classification Criteria (2019). Collection method: clinical testing. Allele origin: unknown.
Comment: NM_000528.3(MAN2B1):c.1545T>A(Y515*) is expected to be pathogenic in the context of alpha-mannosidosis. This variant is predicted to lead to an abnormal or absent protein product due to the creation of a premature termination codon in MAN2B1, a gene where loss-of-function variants are known to be pathogenic. Please note: this variant was assessed in the context of healthy population screening.